The following is an entry in ClinVar:

ClinVar aggregate classification (germline): Uncertain significance. Review status: criteria provided, multiple submitters, no conflicts (2 of 4 stars). 2 submissions from 2 submitters: Uncertain significance (2). Last evaluated 2025-06-13.

Submissions (2):

Ambry Genetics
Classification: Uncertain significance. Last evaluated: 2025-06-13. Review status: criteria provided, single submitter. Criteria: Ambry Variant Classification Scheme 2023. Collection method: clinical testing. Allele origin: germline.
Comment: The p.D573G variant (also known as c.1718A>G), located in coding exon 18 of the SRP72 gene, results from an A to G substitution at nucleotide position 1718. The aspartic acid at codon 573 is replaced by glycine, an amino acid with similar properties. This amino acid position is conserved. In addition, this alteration is predicted to be deleterious by in silico analysis. Based on the available evidence, the clinical significance of this variant remains unclear.

GeneDx
Classification: Uncertain significance. Last evaluated: 2023-11-29. Review status: criteria provided, single submitter. Criteria: GeneDx Variant Classification Process June 2021. Collection method: clinical testing. Allele origin: germline. Affected: yes.
Comment: Not observed at significant frequency in large population cohorts (gnomAD); In silico analysis supports that this missense variant has a deleterious effect on protein structure/function; Has not been previously published as pathogenic or benign to our knowledge; This variant is associated with the following publications: (PMID: 21073748)

NM_006947.4(SRP72):c.1718A>G (p.Asp573Gly)

Gene: SRP72 (signal recognition particle 72; plus strand). Cytogenetic location: 4q12.
Variant type: single nucleotide variant.
Coding change: c.1718A>G on transcript NM_006947.4 (MANE Select); coding-DNA position 1718, A replaced by G.
Protein change: p.Asp573Gly; replaces aspartic acid 573 with glycine.
Molecular consequence: missense variant. On other transcripts: non-coding transcript variant (1).
Genome position (GRCh38, 1-based): chr4:56,500,575, A>G. VCF-style: chr4-56500575-A-G. GRCh37 (hg19) VCF-style: chr4-57366741-A-G.
Other names: c.1535A>G, p.Asp512Gly (NM_001267722.2); short protein forms D512G, D573G.
Identifiers: ClinVar variation 3364971 (VCV003364971.2).